The following is an entry in ClinVar:

NM_005228.5(EGFR):c.3382C>A (p.Pro1128Thr)

Gene: EGFR (epidermal growth factor receptor; plus strand). Cytogenetic location: 7p11.2.
Variant type: single nucleotide variant.
Coding change: c.3382C>A on transcript NM_005228.5 (MANE Select); coding-DNA position 3382, C replaced by A.
Protein change: p.Pro1128Thr; replaces proline 1128 with threonine.
Molecular consequence: missense variant.
Genome position (GRCh38, 1-based): chr7:55,205,366, C>A. VCF-style: chr7-55205366-C-A. GRCh37 (hg19) VCF-style: chr7-55273059-C-A.
Other names: c.3247C>A, p.Pro1083Thr (NM_001346899.2); c.3223C>A, p.Pro1075Thr (NM_001346900.2); c.2581C>A, p.Pro861Thr (NM_001346941.2); short protein forms P1075T, P1083T, P861T, P1128T.
Identifiers: ClinVar variation 2901332 (VCV002901332.4), dbSNP rs2534895214, ClinGen allele CA367584496.

ClinVar aggregate classification (germline): Uncertain significance. Review status: criteria provided, multiple submitters, no conflicts (2 of 4 stars). 2 submissions from 2 submitters: Uncertain significance (2). Last evaluated 2026-01-13.

Conditions:
EGFR-related lung cancer (EGFR). Identifiers: MedGen CN130014.
Hereditary cancer-predisposing syndrome. Also called: Tumor predisposition; Neoplastic Syndromes, Hereditary; Hereditary Cancer Syndrome; Hereditary neoplastic syndrome. Identifiers: Orphanet 140162, MedGen C0027672, MeSH D009386, MONDO:0015356.

Allele frequency attached by ClinVar (database versions not stated): gnomAD exomes below 0.00001.
gnomAD v4.1: 1 of 1,613,600 alleles (0.000062%); highest among the groups gnomAD compares: Non-Finnish European, 0.000085%; no homozygotes.

Submissions (2):

Ambry Genetics
Classification: Uncertain significance for Hereditary cancer-predisposing syndrome. Last evaluated: 2026-01-13. Review status: criteria provided, single submitter. Criteria: Ambry Variant Classification Scheme 2023. Collection method: clinical testing. Allele origin: germline.
Comment: The p.P1128T variant (also known as c.3382C>A), located in coding exon 28 of the EGFR gene, results from a C to A substitution at nucleotide position 3382. The proline at codon 1128 is replaced by threonine, an amino acid with highly similar properties. This amino acid position is not well conserved in available vertebrate species. In addition, this alteration is predicted to be tolerated by in silico analysis. Based on the available evidence, the clinical significance of this variant remains unclear.

Labcorp Genetics (formerly Invitae), Labcorp
Classification: Uncertain significance for EGFR-related lung cancer. Last evaluated: 2023-10-04. Review status: criteria provided, single submitter. Criteria: Invitae Variant Classification Sherloc (09022015). Collection method: clinical testing. Allele origin: germline.
Comment: This sequence change replaces proline, which is neutral and non-polar, with threonine, which is neutral and polar, at codon 1128 of the EGFR protein (p.Pro1128Thr). This variant is not present in population databases (gnomAD no frequency). This variant has not been reported in the literature in individuals affected with EGFR-related conditions. An algorithm developed to predict the effect of missense changes on protein structure and function (PolyPhen-2) suggests that this variant is likely to be tolerated. In summary, the available evidence is currently insufficient to determine the role of this variant in disease. Therefore, it has been classified as a Variant of Uncertain Significance.